The following is an entry in ClinVar:

ClinVar aggregate classification (germline): Uncertain significance (1 of 4 stars; one submission).

Conditions:
Emery-Dreifuss muscular dystrophy 5, autosomal dominant (EDMD5). Also called: EMERY-DREIFUSS MUSCULAR DYSTROPHY 5. Identifiers: Orphanet 261, MedGen C2751805, MONDO:0013072, OMIM 612999.

Allele frequency attached by ClinVar (database versions not stated): gnomAD exomes below 0.00001; TOPMed 0.00001.
gnomAD v4.1: 13 of 1,614,180 alleles (0.00081%); highest among the groups gnomAD compares: East Asian, 0.0045%; no homozygotes.

Submission:

Labcorp Genetics (formerly Invitae), Labcorp
Classification: Uncertain significance for Emery-Dreifuss muscular dystrophy 5, autosomal dominant. Last evaluated: 2025-12-03. Review status: criteria provided, single submitter. Criteria: Invitae Variant Classification Sherloc (09022015). Collection method: clinical testing. Allele origin: germline.
Comment: This sequence change replaces glutamine, which is neutral and polar, with glutamic acid, which is acidic and polar, at codon 6057 of the SYNE2 protein (p.Gln6057Glu). This variant is present in population databases (no rsID available, gnomAD 0.006%). This variant has not been reported in the literature in individuals affected with SYNE2-related conditions. ClinVar contains an entry for this variant (Variation ID: 470955). An algorithm developed to predict the effect of missense changes on protein structure and function (PolyPhen-2) suggests that this variant is likely to be disruptive. In summary, the available evidence is currently insufficient to determine the role of this variant in disease. Therefore, it has been classified as a Variant of Uncertain Significance.

NM_182914.3(SYNE2):c.18169C>G (p.Gln6057Glu)

Gene: SYNE2 (spectrin repeat containing nuclear envelope protein 2; plus strand). Cytogenetic location: 14q23.2.
Variant type: single nucleotide variant.
Coding change: c.18169C>G on transcript NM_182914.3 (MANE Select); coding-DNA position 18169, C replaced by G.
Protein change: p.Gln6057Glu; replaces glutamine 6057 with glutamic acid.
Molecular consequence: missense variant.
Genome position (GRCh38, 1-based): chr14:64,202,931, C>G. VCF-style: chr14-64202931-C-G. GRCh37 (hg19) VCF-style: chr14-64669649-C-G.
Other names: c.18169C>G, p.Gln6057Glu (NM_015180.6); short protein forms Q6057E.
Identifiers: ClinVar variation 470955 (VCV000470955.8), dbSNP rs919132800, ClinGen allele CA261818887.